The following is an entry in ClinVar:

ClinVar aggregate classification (germline): Conflicting classifications of pathogenicity. Review status: criteria provided, conflicting classifications (1 of 4 stars). 2 submissions from 2 submitters: Likely pathogenic (1); Uncertain significance (1). Last evaluated 2025-05-03.

Conditions:
Aicardi-Goutieres syndrome 2. Identifiers: Orphanet 51, MedGen C3489724, MONDO:0012429, OMIM 610181.

Allele frequency attached by ClinVar (database versions not stated): gnomAD 0.00001; TOPMed 0.00001; gnomAD exomes 0.00004.
gnomAD v4.1: 54 of 1,448,900 alleles (0.0037%); highest among the groups gnomAD compares: Non-Finnish European, 0.0045%; no homozygotes.

Submissions (2):

GeneDx
Classification: Likely pathogenic. Last evaluated: 2025-05-03. Review status: criteria provided, single submitter. Criteria: GeneDx Variant Classification Process June 2021. Collection method: clinical testing. Allele origin: germline. Affected: yes.
Comment: Not observed at significant frequency in large population cohorts (gnomAD); Missense variants in this gene are a common cause of disease and they are underrepresented in the general population; In silico analysis suggests that this missense variant does not alter protein structure/function; Has not been previously published as pathogenic or benign to our knowledge

Labcorp Genetics (formerly Invitae), Labcorp
Classification: Uncertain significance for Aicardi-Goutieres syndrome 2. Last evaluated: 2024-09-06. Review status: criteria provided, single submitter. Criteria: Invitae Variant Classification Sherloc (09022015). Collection method: clinical testing. Allele origin: germline.
Comment: This sequence change replaces valine, which is neutral and non-polar, with leucine, which is neutral and non-polar, at codon 20 of the RNASEH2B protein (p.Val20Leu). This variant is not present in population databases (gnomAD no frequency). This variant has not been reported in the literature in individuals affected with RNASEH2B-related conditions. ClinVar contains an entry for this variant (Variation ID: 432925). An algorithm developed to predict the effect of missense changes on protein structure and function outputs the following: PolyPhen-2: "Benign". The leucine amino acid residue is found in multiple mammalian species, which suggests that this missense change does not adversely affect protein function. In summary, the available evidence is currently insufficient to determine the role of this variant in disease. Therefore, it has been classified as a Variant of Uncertain Significance.

NM_024570.4(RNASEH2B):c.58G>C (p.Val20Leu)

Genes: RNASEH2B (ribonuclease H2 subunit B; plus strand), RNASEH2B-AS1 (RNASEH2B antisense RNA 1; minus strand), LOC130009810 (ATAC-STARR-seq lymphoblastoid silent region 5362; plus strand). Cytogenetic location: 13q14.3.
Variant type: single nucleotide variant.
Coding change: c.58G>C on transcript NM_024570.4 (MANE Select); coding-DNA position 58, G replaced by C.
Protein change: p.Val20Leu; replaces valine 20 with leucine.
Molecular consequence: missense variant.
Genome position (GRCh38, 1-based): chr13:50,910,134, G>C. VCF-style: chr13-50910134-G-C. GRCh37 (hg19) VCF-style: chr13-51484270-G-C.
Other names: c.58G>C, p.Val20Leu (NM_001142279.2); short protein forms V20L.
Identifiers: ClinVar variation 432925 (VCV000432925.8), dbSNP rs1028530418, ClinGen allele CA249994613.
Genomic context (GRCh38, chr13:50,910,134, plus strand): 5'-GGCATGGCCGCTGGCGTGGACTGCGGGGACGGGGTTGGCGCCCGGCAGCACGTGTTCCTG[G>C]TTTCAGGTAAACACGCGCGCCCGGGCGGCGGGGTCGGCCCAAGAACTGGCGGAGCGGCCC-3'
Protein context (NP_078846.2, residues 10-30): GVGARQHVFL[Val20Leu]SEYLKDASKK